The following is an entry in ClinVar:

ClinVar aggregate classification (germline): Conflicting classifications of pathogenicity. Review status: criteria provided, conflicting classifications (1 of 4 stars). 5 submissions from 5 submitters: Uncertain significance (1); Benign (2); Likely benign (1). 1 of the submissions does not count toward it. Last evaluated 2026-01-10.

Conditions:
Inborn genetic diseases. Identifiers: MedGen C0950123, MeSH D030342.
ANO6-related disorder. Also called: ANO6-related condition.

Allele frequency attached by ClinVar (database versions not stated): 1000 Genomes Project 30x 0.00265; 1000 Genomes Project 0.00280; ESP Exome Variant Server 0.00292.
gnomAD v4.1: 790 of 1,613,926 alleles (0.049%); highest among the groups gnomAD compares: African/African-American, 0.92%; 1 homozygote.

Submissions (5):

Labcorp Genetics (formerly Invitae), Labcorp
Classification: Benign. Last evaluated: 2026-01-10. Review status: criteria provided, single submitter. Criteria: Invitae Variant Classification Sherloc (09022015). Collection method: clinical testing. Allele origin: germline.

Ambry Genetics
Classification: Uncertain significance for Inborn genetic diseases. Last evaluated: 2025-09-26. Review status: criteria provided, single submitter. Criteria: Ambry Variant Classification Scheme 2023. Collection method: clinical testing. Allele origin: germline.

Mayo Clinic Laboratories, Mayo Clinic
Classification: Likely benign. Last evaluated: 2025-01-20. Review status: criteria provided, single submitter. Criteria: ACMG Guidelines, 2015. Collection method: clinical testing. Allele origin: germline. Observed: 2 variant alleles.
Comment: BS1, BP4_moderate

Women's Health and Genetics/Laboratory Corporation of America, LabCorp
Classification: Benign. Last evaluated: 2024-07-12. Review status: criteria provided, single submitter. Criteria: LabCorp Variant Classification Summary - May 2015. Collection method: clinical testing. Allele origin: germline.
Comment: Variant summary: ANO6 c.94A>T (p.Ile32Phe) results in a non-conservative amino acid change in the encoded protein sequence. Four of five in-silico tools predict a benign effect of the variant on protein function. The variant allele was found at a frequency of 0.00049 in 1606956 control chromosomes, predominantly at a frequency of 0.0092 within the African or African-American subpopulation in the gnomAD database, including 1 homozygote. To our knowledge, no occurrence of c.94A>T in individuals affected with Scott Syndrome and no experimental evidence demonstrating its impact on protein function have been reported. ClinVar contains an entry for this variant (Variation ID: 2051043). Based on the evidence outlined above, the variant was classified as benign.

PreventionGenetics, part of Exact Sciences
Classification: Benign for ANO6-related condition. Last evaluated: 2019-09-25. Review status: no assertion criteria provided. Collection method: clinical testing. Allele origin: germline. Not counted in ClinVar's aggregate classification.
Comment: This variant is classified as benign based on ACMG/AMP sequence variant interpretation guidelines (Richards et al. 2015 PMID: 25741868, with internal and published modifications).

NM_001025356.3(ANO6):c.94A>T (p.Ile32Phe)

Gene: ANO6 (anoctamin 6; plus strand). Cytogenetic location: 12q12.
Variant type: single nucleotide variant.
Coding change: c.94A>T on transcript NM_001025356.3 (MANE Select); coding-DNA position 94, A replaced by T.
Protein change: p.Ile32Phe; replaces isoleucine 32 with phenylalanine.
Molecular consequence: missense variant.
Genome position (GRCh38, 1-based): chr12:45,302,037, A>T. VCF-style: chr12-45302037-A-T. GRCh37 (hg19) VCF-style: chr12-45695820-A-T.
Other names: p.Ile32Phe; c.94A>T (NM_001025356.2); c.40A>T, p.Ile14Phe (NM_001142678.2); c.94A>T, p.Ile32Phe (NM_001142679.2); c.157A>T, p.Ile53Phe (NM_001204803.2); c.61A>T, p.Ile21Phe (NM_001410973.1); short protein forms I14F, I53F, I21F, I32F.
Identifiers: ClinVar variation 2051043 (VCV002051043.9), dbSNP rs147136935, ClinGen allele CA6524877.